The following is an entry in ClinVar:

ClinVar aggregate classification (germline): Uncertain significance (1 of 4 stars; one submission).

gnomAD v4.1: 1 of 1,555,200 alleles (0.000064%); highest among the groups gnomAD compares: South Asian, 0.0012%; no homozygotes.

Submission:

GeneDx
Classification: Uncertain significance. Last evaluated: 2026-04-07. Review status: criteria provided, single submitter. Criteria: GeneDx Variant Classification Process June 2021. Collection method: clinical testing. Allele origin: germline.
Comment: Not observed at significant frequency in large population cohorts (gnomAD); In silico analysis suggests that this missense variant does not alter protein structure/function; Has not been previously published as pathogenic or benign to our knowledge

NM_000748.3(CHRNB2):c.1108C>G (p.Arg370Gly)

Gene: CHRNB2 (cholinergic receptor nicotinic beta 2 subunit; plus strand). Cytogenetic location: 1q21.3.
Variant type: single nucleotide variant.
Coding change: c.1108C>G on transcript NM_000748.3 (MANE Select); coding-DNA position 1108, C replaced by G.
Protein change: p.Arg370Gly; replaces arginine 370 with glycine.
Molecular consequence: missense variant.
Genome position (GRCh38, 1-based): chr1:154,571,931, C>G. VCF-style: chr1-154571931-C-G. GRCh37 (hg19) VCF-style: chr1-154544407-C-G.
Other names: short protein forms R370G.
Identifiers: ClinVar variation 5016740 (VCV005016740.1).